The following is an entry in ClinVar:

ClinVar aggregate classification (germline): Uncertain significance (1 of 4 stars; one submission).

Submission:

Women's Health and Genetics/Laboratory Corporation of America, LabCorp
Classification: Uncertain significance. Last evaluated: 2023-09-06. Review status: criteria provided, single submitter. Criteria: LabCorp Variant Classification Summary - May 2015. Collection method: clinical testing. Allele origin: germline.
Comment: Variant summary: DHTKD1 c.562A>G (p.Lys188Glu) results in a conservative amino acid change in the encoded protein sequence. Three of five in-silico tools predict a damaging effect of the variant on protein function. The variant was absent in 250294 control chromosomes (gnomAD). The available data on variant occurrences in the general population are insufficient to allow any conclusion about variant significance. To our knowledge, no occurrence of c.562A>G in individuals affected with 2-Aminoadipic 2-Oxoadipic Aciduria and no experimental evidence demonstrating its impact on protein function have been reported. No submitters have cited clinical-significance assessments for this variant to ClinVar after 2014. Based on the evidence outlined above, the variant was classified as uncertain significance.

NM_018706.7(DHTKD1):c.562A>G (p.Lys188Glu)

Gene: DHTKD1 (dehydrogenase E1 and transketolase domain containing 1; plus strand). Cytogenetic location: 10p14.
Variant type: single nucleotide variant.
Coding change: c.562A>G on transcript NM_018706.7 (MANE Select); coding-DNA position 562, A replaced by G.
Protein change: p.Lys188Glu; replaces lysine 188 with glutamic acid.
Molecular consequence: missense variant.
Genome position (GRCh38, 1-based): chr10:12,087,574, A>G. VCF-style: chr10-12087574-A-G. GRCh37 (hg19) VCF-style: chr10-12129573-A-G.
Other names: short protein forms K188E.
Identifiers: ClinVar variation 2627136 (VCV002627136.1), dbSNP rs2491474966, ClinGen allele CA376017678.
Genomic context (GRCh38, chr10:12,087,574, plus strand): 5'-GTCTGACATGATGTTCTGCAGGAGTTTGACCACTTTCTGGCCACCAAGTTCTCGACAGTG[A>G]AGCGATATGGAGGCGAAGGGGCTGAAAGCATGATGGGCTTTTTCCACGAGCTGCTGAAAA-3'
Protein context (NP_061176.4, residues 178-198): HFLATKFSTV[Lys188Glu]RYGGEGAESM